The following is an entry in ClinVar:

ClinVar aggregate classification (germline): Uncertain significance (1 of 4 stars; one submission).

Conditions:
Familial thoracic aortic aneurysm and aortic dissection (TAAD). Also called: Thoracic aortic aneurysms and dissections. Identifiers: Orphanet 91387, MedGen C4707243, MONDO:0019625.

Allele frequency attached by ClinVar (database versions not stated): TOPMed below 0.00001.
gnomAD v4.1: 1 of 1,613,894 alleles (0.000062%); highest among the groups gnomAD compares: Non-Finnish European, 0.000085%; no homozygotes.

Submission:

Color Diagnostics, LLC DBA Color Health
Classification: Uncertain significance for Familial thoracic aortic aneurysm and aortic dissection. Last evaluated: 2023-12-04. Review status: criteria provided, single submitter. Criteria: ACMG Guidelines, 2015. Collection method: clinical testing. Allele origin: germline.
Comment: This missense variant replaces isoleucine with valine at codon 36 of the ACTA2 protein. Computational prediction is inconclusive regarding the impact of this variant on protein structure and function (internally defined REVEL score threshold 0.5 < inconclusive < 0.7, PMID: 27666373). To our knowledge, functional studies have not been reported for this variant. This variant has not been reported in individuals affected with ACTA2-related disorders in the literature. This variant has not been identified in the general population by the Genome Aggregation Database (gnomAD). The available evidence is insufficient to determine the role of this variant in disease conclusively. Therefore, this variant is classified as a Variant of Uncertain Significance.

NM_001613.4(ACTA2):c.106A>G (p.Ile36Val)

Gene: ACTA2 (actin alpha 2, smooth muscle; minus strand). Cytogenetic location: 10q23.31.
Variant type: single nucleotide variant.
Coding change: c.106A>G on transcript NM_001613.4 (MANE Select); coding-DNA position 106, A replaced by G.
Protein change: p.Ile36Val; replaces isoleucine 36 with valine.
Molecular consequence: missense variant.
Genome position (GRCh38, 1-based): chr10:88,948,825, T>C on the plus strand (A>G on the coding strand, the complement: ACTA2 is on the minus strand). VCF-style: chr10-88948825-T-C. GRCh37 (hg19) VCF-style: chr10-90708582-T-C.
Other names: c.106A>G, p.Ile36Val (NM_001141945.3, NM_001320855.2, NM_001406462.1 and 7 more transcripts); short protein forms I36V.
Identifiers: ClinVar variation 919793 (VCV000919793.6), dbSNP rs1845999767, ClinGen allele CA377513627.